The following is an entry in ClinVar:

NM_016156.6(MTMR2):c.1771-142G>T

Gene: MTMR2 (myotubularin related protein 2; minus strand). Cytogenetic location: 11q21.
Variant type: single nucleotide variant.
Coding change: c.1771-142G>T on transcript NM_016156.6 (MANE Select); 142 bases into the intron before coding-DNA position 1771, G replaced by T.
Molecular consequence: intron variant.
Genome position (GRCh38, 1-based): chr11:95,835,593, C>A on the plus strand (G>T on the coding strand, the complement: MTMR2 is on the minus strand). VCF-style: chr11-95835593-C-A. GRCh37 (hg19) VCF-style: chr11-95568757-C-A.
Other names: c.1555-142G>T (NM_201281.3, NM_201278.3, NM_001243571.2).
Identifiers: ClinVar variation 683220 (VCV000683220.1), dbSNP rs473852, ClinGen allele CA15681857.
Genomic context (GRCh38, chr11:95,835,593, plus strand): 5'-ATGTTTTTTCAGCTGTTGGAACCAATGGCACCTTTCCAACCCATCAGTGAAATTAAATAC[C>A]GGGACTGTGGACACCACTAATCTTTTCACTGGCTTTCCCAGTGCCCCTGAGTATTTCCAA-3'

ClinVar aggregate classification (germline): Benign (1 of 4 stars; one submission).

Allele frequency attached by ClinVar (database versions not stated): 1000 Genomes Project 30x 0.27108; 1000 Genomes Project 0.27496; TOPMed 0.34647.
gnomAD v4.1: 295,060 of 796,370 alleles (37%); highest among the groups gnomAD compares: Middle Eastern, 42%; 58,824 homozygotes.

Submission:

GeneDx
Classification: Benign. Last evaluated: 2018-06-14. Review status: criteria provided, single submitter. Criteria: GeneDx Variant Classification (06012015). Collection method: clinical testing. Allele origin: germline. Affected: yes.
Comment: This variant is considered likely benign or benign based on one or more of the following criteria: it is a conservative change, it occurs at a poorly conserved position in the protein, it is predicted to be benign by multiple in silico algorithms, and/or has population frequency not consistent with disease.